The following is an entry in ClinVar:

NM_006161.3(NEUROG1):c.228_231dup (p.Thr78fs)

Gene: NEUROG1 (neurogenin 1; minus strand). Cytogenetic location: 5q31.1.
Variant type: Duplication.
Coding change: c.228_231dup on transcript NM_006161.3 (MANE Select); coding-DNA positions 228 to 231, 4 bases duplicated (CCGG; older notation c.228_231dupCCGG).
Protein change: p.Thr78fs; shifts the reading frame from threonine 78.
Molecular consequence: frameshift variant.
Genome position (GRCh38, 1-based): chr5:135,535,460-135,535,463, CCGG duplicated on the plus strand (CCGG on the coding strand, the reverse complement: NEUROG1 is on the minus strand); duplicating any 4 consecutive bases within chr5:135,535,460-135,535,466 gives the same sequence; the c. name uses the placement nearest the transcript's 3' end. VCF-style (leftmost placement, unchanged base first): chr5-135535459-T-TCCGG. GRCh37 (hg19) VCF-style: chr5-134871149-T-TCCGG.
Other names: p.Thr78ProfsTer122; short protein forms T78fs.
Identifiers: ClinVar variation 1300181 (VCV001300181.4), dbSNP rs2126852672, ClinGen allele CA2573052430.

ClinVar aggregate classification (germline): Likely pathogenic. Review status: criteria provided, single submitter (1 of 4 stars). 2 submissions from 2 submitters: Likely pathogenic (1). 1 of the submissions does not count toward it. Last evaluated 2021-02-17.

Conditions:
Cranial dysinnervation disorder, congenital, with absent corneal reflex and developmental delay (CCDDRD). Identifiers: MedGen C5882675, MONDO:0957563, OMIM 620469.

Submissions (2):

Foundation for Research in Genetics and Endocrinology, FRIGE's Institute of Human Genetics
Classification: Likely pathogenic. Last evaluated: 2021-02-17. Review status: criteria provided, single submitter. Criteria: ACMG Guidelines, 2015. Collection method: research. Allele origin: inherited. Inheritance: Autosomal recessive inheritance. Affected: yes. Observed: 1 homozygote.
Comment: A homozygous frameshift variation in exon 1 of the NEUROG1 gene that results in a frameshift and premature truncation of the protein 122 amino acids downstream of Threonine to codon 78 was detected. The observed variant c.228_231dup(p.Thr78ProfsTer122) has not been reported in the 1000 genomes and gnomAD databases. The reference codon is conserved across species. In summary, the variant meets our criteria to be classified as likely pathogenic variant.

OMIM
Classification: Pathogenic for CRANIAL DYSINNERVATION DISORDER, CONGENITAL, WITH ABSENT CORNEAL REFLEX AND DEVELOPMENTAL DELAY. Last evaluated: 2023-08-16. Review status: no assertion criteria provided. Collection method: literature only. Allele origin: germline. Not counted in ClinVar's aggregate classification.

Literature cited by the submitters: PubMed 36647078 (cited by OMIM).